The following is an entry in ClinVar:

ClinVar aggregate classification (germline): Conflicting classifications of pathogenicity. Review status: criteria provided, conflicting classifications (1 of 4 stars). 7 submissions from 7 submitters: Pathogenic (1); Likely pathogenic (3); Uncertain significance (3). Last evaluated 2026-04-01.
ClinVar aggregate classification (somatic clinical impact): Tier I - Strong (1 of 4 stars; one submission).

Conditions:
Poirier-Bienvenu neurodevelopmental syndrome (POBINDS). Identifiers: Orphanet 689397, MedGen C5231482, MONDO:0032889, OMIM 618732.
Inborn genetic diseases. Identifiers: MedGen C0950123, MeSH D030342.
CSNK2B-related disorder. Also called: CSNK2B-related condition.
Medulloblastoma WNT activated. Identifiers: MedGen C4331965, MONDO:0850196.

Allele frequency attached by ClinVar (database versions not stated): gnomAD exomes below 0.00001.

Submissions (8):

CeGaT Center for Human Genetics Tuebingen
Classification: Uncertain significance. Last evaluated: 2026-04-01. Review status: criteria provided, single submitter. Criteria: CeGaT Center For Human Genetics Tuebingen Variant Classification Criteria Version 2. Collection method: clinical testing. Allele origin: germline. Affected: yes. Observed: 2 variant alleles.
Comment: CSNK2B: PM2:Supporting, PP2, PP3, PS2:Supporting

GeneDx
Classification: Likely pathogenic. Last evaluated: 2025-08-28. Review status: criteria provided, single submitter. Criteria: GeneDx Variant Classification Process June 2021. Collection method: clinical testing. Allele origin: germline. Affected: yes.
Comment: In silico analysis supports that this missense variant has a deleterious effect on protein structure/function; Not observed at significant frequency in large population cohorts (gnomAD); This variant is associated with the following publications: (PMID: 37020656, 40317201, 34041744, 35982159, 33057194, 31784560)

Ambry Genetics
Classification: Pathogenic for Inborn genetic diseases. Last evaluated: 2025-06-06. Review status: criteria provided, single submitter. Criteria: Ambry Variant Classification Scheme 2023. Collection method: clinical testing. Allele origin: germline.
Comment: The c.256C>T (p.R86C) alteration is located in coding exon 3 of the CSNK2B gene. This alteration results from a C to T substitution at nucleotide position 256, causing the arginine (R) at amino acid position 86 to be replaced by a cysteine (C). This variant was not reported in population-based cohorts in the Genome Aggregation Database (gnomAD). This variant was reported in individual(s) with features consistent with CSNK2B-related neurodevelopmental disorder; in at least one individual, it was determined to be de novo (Ernst, 2021; Laurie, 2025). This amino acid position is well conserved in available vertebrate species. This missense alteration is located in a region that has a low rate of benign missense variation (Lek, 2016; Firth, 2009). In multiple assays testing CSNK2B function, this variant showed functionally normal, abnormal, and indeterminant results (Kavaliova, 2025). This alteration is predicted to be deleterious by in silico analysis. Based on the available evidence, this alteration is classified as pathogenic.

Clinical Genetics Laboratory, University Hospital Schleswig-Holstein
Classification: Likely pathogenic for Poirier-Bienvenu neurodevelopmental syndrome. Last evaluated: 2025-04-28. Review status: criteria provided, single submitter. Criteria: ACMG Guidelines, 2015. Collection method: clinical testing. Allele origin: maternal. Affected: yes. Observed: 1 heterozygote.
Comment: ACMG criteria applied: PM2, PS4_Supporting, PP3, PP2, PM5

PreventionGenetics, part of Exact Sciences
Classification: Uncertain significance for CSNK2B-related condition. Last evaluated: 2025-03-13. Review status: criteria provided, single submitter. Criteria: ACMG Guidelines, 2015. Collection method: clinical testing. Allele origin: germline.
Comment: The CSNK2B c.256C>T variant is predicted to result in the amino acid substitution p.Arg86Cys. This variant has been reported as having arisen de novo in two individuals with epilepsy; however, in the one individual the variant was suspected to be on the same allele as a loss-of-function CSNK2B variant (Li et al. 2019. PubMed ID: 31784560; Table S1, Ernst et al. 2021. PubMed ID: 34041744). This variant has also been reported in an individual with autism (Supplemental Data 3, Zhou et al. 2022. PubMed ID: 35982159). This variant has not been reported in a large population database (gnomAD), indicating this variant is rare. Although we suspect that this variant may be pathogenic, at this time, the clinical significance of this variant is uncertain due to the absence of conclusive functional and genetic evidence.

Institute for Genomic Medicine (IGM) Clinical Laboratory, Nationwide Children's Hospital
Classification: Tier I - Strong for Medulloblastoma WNT activated. Assertion type: diagnostic. Clinical significance: supports diagnosis. Last evaluated: 2025-03-06. Review status: criteria provided, single submitter. Criteria: AMP/ASCO/CAP Guidelines, 2017. Collection method: clinical testing. Allele origin: somatic. Affected: yes.
Comment: Variant has Tier I (strong) clinical significance as a diagnostic inclusion criterion in medulloblastoma WNT activated, based on the following evidence: 1) Information in the literature supports potential biologic effect of variant (PMIDs: 33994545, 16342409, 12244125, 30588243). 2) Diagnostic for a specific tumor type/classification based on well-powered studies with expert-level consensus (Evidence Level B; PMIDs: 22820256, 28726821, 31799776, 30588243).

Blueprint Genetics
Classification: Uncertain significance. Last evaluated: 2024-02-02. Review status: criteria provided, single submitter. Criteria: ACMG Guidelines, 2015. Collection method: clinical testing. Allele origin: germline.

Juno Genomics, Hangzhou Juno Genomics, Inc
Classification: Likely pathogenic for Poirier-Bienvenu neurodevelopmental syndrome. Review status: criteria provided, single submitter. Criteria: ACMG Guidelines, 2015. Collection method: clinical testing. Allele origin: germline. Affected: yes.
Comment: Absent from controls (or at extremely low frequency if recessive) in Genome Aggregation Database, Exome Sequencing Project, 1000 Genomes Project, or Exome Aggregation Consortium.;The prevalence of the variant in affected individuals is significantly increased compared to the prevalence in controls.;Assumed de novo, but without confirmation of paternity and maternity.;Patient's phenotype or family history is highly specific for a disease with a single genetic etiology.;Multiple lines of computational evidence support a deleterious effect on the gene or gene product (conservation, evolutionary, splicing impact, etc).;Missense variant in a gene that has a low rate of benign missense variation and where missense variants are a common mechanism of disease.

Literature cited by the submitters: PubMed 34041744 (cited by Ambry Genetics); PubMed 39825153 (cited by Ambry Genetics); PubMed 40317201 (cited by Ambry Genetics); PubMed 33994545 (cited by Institute for Genomic Medicine (IGM) Clinical Laboratory, Nationwide Children's Hospital); PubMed 16342409 (cited by Institute for Genomic Medicine (IGM) Clinical Laboratory, Nationwide Children's Hospital); PubMed 12244125 (cited by Institute for Genomic Medicine (IGM) Clinical Laboratory, Nationwide Children's Hospital); PubMed 30588243 (cited by Institute for Genomic Medicine (IGM) Clinical Laboratory, Nationwide Children's Hospital); PubMed 22820256 (cited by Institute for Genomic Medicine (IGM) Clinical Laboratory, Nationwide Children's Hospital); PubMed 28726821 (cited by Institute for Genomic Medicine (IGM) Clinical Laboratory, Nationwide Children's Hospital); PubMed 31799776 (cited by Institute for Genomic Medicine (IGM) Clinical Laboratory, Nationwide Children's Hospital).

NM_001320.7(CSNK2B):c.256C>T (p.Arg86Cys)

Gene: CSNK2B (casein kinase 2 beta; plus strand). Cytogenetic location: 6p21.33.
Variant type: single nucleotide variant.
Coding change: c.256C>T on transcript NM_001320.7 (MANE Select); coding-DNA position 256, C replaced by T.
Protein change: p.Arg86Cys; replaces arginine 86 with cysteine.
Molecular consequence: missense variant.
Genome position (GRCh38, 1-based): chr6:31,668,619, C>T. VCF-style: chr6-31668619-C-T. GRCh37 (hg19) VCF-style: chr6-31636396-C-T.
Other names: c.256C>T, p.Arg86Cys (NM_001282385.2); short protein forms R86C.
Identifiers: ClinVar variation 985324 (VCV000985324.19), dbSNP rs1801961640, ClinGen allele CA363473413.